The following is an entry in ClinVar:

ClinVar aggregate classification (germline): Uncertain significance (1 of 4 stars; one submission).

Allele frequency attached by ClinVar (database versions not stated): gnomAD 0.00001; gnomAD exomes 0.00001; ExAC 0.00003.
gnomAD v4.1: 19 of 1,587,400 alleles (0.0012%); highest among the groups gnomAD compares: Non-Finnish European, 0.0015%; no homozygotes.

Submission:

Labcorp Genetics (formerly Invitae), Labcorp
Classification: Uncertain significance. Last evaluated: 2022-08-09. Review status: criteria provided, single submitter. Criteria: Invitae Variant Classification Sherloc (09022015). Collection method: clinical testing. Allele origin: germline.
Comment: In summary, the available evidence is currently insufficient to determine the role of this variant in disease. Therefore, it has been classified as a Variant of Uncertain Significance. Algorithms developed to predict the effect of missense changes on protein structure and function are either unavailable or do not agree on the potential impact of this missense change (SIFT: "Deleterious"; PolyPhen-2: "Probably Damaging"; Align-GVGD: "Class C0"). This variant has not been reported in the literature in individuals affected with MACF1-related conditions. This variant is present in population databases (rs769724948, gnomAD 0.005%). This sequence change replaces glycine, which is neutral and non-polar, with glutamic acid, which is acidic and polar, at codon 3196 of the MACF1 protein (p.Gly3196Glu).

NM_001394062.1(MACF1):c.15773G>A (p.Gly5258Glu)

Gene: MACF1 (microtubule actin crosslinking factor 1; plus strand). Cytogenetic location: 1p34.3.
Variant type: single nucleotide variant.
Coding change: c.15773G>A on transcript NM_001394062.1 (MANE Select); coding-DNA position 15773, G replaced by A.
Protein change: p.Gly5258Glu; replaces glycine 5258 with glutamic acid.
Molecular consequence: missense variant.
Genome position (GRCh38, 1-based): chr1:39,388,615, G>A. VCF-style: chr1-39388615-G-A. GRCh37 (hg19) VCF-style: chr1-39854287-G-A.
Other names: c.9587G>A, p.Gly3196Glu (NM_012090.5); short protein forms G3196E, G5258E.
Identifiers: ClinVar variation 1980276 (VCV001980276.4), dbSNP rs769724948, ClinGen allele CA782448.
Genomic context (GRCh38, chr1:39,388,615, plus strand): 5'-AAGGACTCAATGACGCGACCACAGCAGCAGAGGAGGCAGAGGCCCTCCAGTGGGTAGTGG[G>A]GACCGAAGTGGAAATCATCAACCAACAATTAGCAGATTTTAAAGTAAGTCTGAACCTTGT-3'
Protein context (NP_001380991.1, residues 5248-5268): EEAEALQWVV[Gly5258Glu]TEVEIINQQL